The following is an entry in ClinVar:

ClinVar aggregate classification (germline): Pathogenic (1 of 4 stars; one submission).

Conditions:
Multiple acyl-CoA dehydrogenase deficiency (MADD). Also called: Glutaric aciduria, type 2; Glutaric acidemia type II; GA 2; ETHYLMALONIC-ADIPICACIDURIA; GA II; Glutaric Acidemia type 2. Identifiers: Orphanet 26791, MedGen C0268596, MONDO:0009282, OMIM 231680.

Submission:

Labcorp Genetics (formerly Invitae), Labcorp
Classification: Pathogenic for Multiple acyl-CoA dehydrogenase deficiency. Last evaluated: 2025-01-07. Review status: criteria provided, single submitter. Criteria: Invitae Variant Classification Sherloc (09022015). Collection method: clinical testing. Allele origin: germline.
Comment: This sequence change creates a premature translational stop signal (p.Thr419*) in the ETFDH gene. It is expected to result in an absent or disrupted protein product. Loss-of-function variants in ETFDH are known to be pathogenic (PMID: 16510302, 23785301). This variant is not present in population databases (gnomAD no frequency). This variant has not been reported in the literature in individuals affected with ETFDH-related conditions. Algorithms developed to predict the effect of sequence changes on RNA splicing suggest that this variant may disrupt the consensus splice site. For these reasons, this variant has been classified as Pathogenic.

Literature cited by the submitters: PubMed 16510302; PubMed 23785301.

NM_004453.4(ETFDH):c.1253_1254insTT (p.Leu418_Thr419insTer)

Gene: ETFDH (electron transfer flavoprotein dehydrogenase; plus strand). Cytogenetic location: 4q32.1.
Variant type: Insertion.
Coding change: c.1253_1254insTT on transcript NM_004453.4 (MANE Select); coding-DNA positions 1253 to 1254, TT inserted.
Protein change: p.Leu418_Thr419insTer.
Molecular consequence: frameshift variant.
Genome position: GRCh38 VCF-style: chr4-158703558-C-CTT. GRCh37 (hg19) VCF-style: chr4-159624710-C-CTT.
Other names: c.1112_1113insTT, p.Leu371_Thr372insTer (NM_001281737.2); c.1070_1071insTT, p.Leu357_Thr358insTer (NM_001281738.1).
Identifiers: ClinVar variation 3728291 (VCV003728291.2).
Genomic context (GRCh38, chr4:158,703,558, plus strand): 5'-AAAGGTACTCACACAGCAATGAAAAGTGGAATTTTAGCAGCAGAATCTATTTTTAATCAA[C>CTT]TAACTAGTGAAAATCTCCAATCAAAGACAATAGGTAAGAAATTCCTGTGTAAAGTATACA-3'